The following is an entry in ClinVar:

NM_002049.4(GATA1):c.361G>A (p.Val121Met)

Gene: GATA1 (GATA binding protein 1; plus strand). Cytogenetic location: Xp11.23.
Variant type: single nucleotide variant.
Coding change: c.361G>A on transcript NM_002049.4 (MANE Select); coding-DNA position 361, G replaced by A.
Protein change: p.Val121Met; replaces valine 121 with methionine.
Molecular consequence: missense variant.
Genome position (GRCh38, 1-based): chrX:48,791,984, G>A. VCF-style: chrX-48791984-G-A. GRCh37 (hg19) VCF-style: chrX-48650391-G-A.
Other names: short protein forms V121M.
Identifiers: ClinVar variation 699558 (VCV000699558.14), dbSNP rs200509606, ClinGen allele CA10404597.

ClinVar aggregate classification (germline): Benign/Likely benign. Review status: criteria provided, multiple submitters, no conflicts (2 of 4 stars). 3 submissions from 3 submitters: Benign (1); Likely benign (1). 1 of the submissions does not count toward it. Last evaluated 2026-01-22.

Conditions:
GATA1-related disorder. Also called: GATA1-related condition.
GATA binding protein 1 related thrombocytopenia with dyserythropoiesis. Also called: GATA1-Related X-Linked Cytopenia; GATA1-Related Cytopenia. Identifiers: MedGen C1845837, MONDO:0100089.
Diamond-Blackfan anemia. Also called: Blackfan Diamond syndrome; Aregenerative anemia chronic congenital; Red cell aplasia, pure hereditary; Congenital hypoplastic anemia; Aase syndrome. Identifiers: Orphanet 124, MedGen C1260899, MeSH D029503, MONDO:0015253, HP:0004810.

Allele frequency attached by ClinVar (database versions not stated): ESP Exome Variant Server 0.00009; gnomAD 0.00009 and 0.00011; TOPMed 0.00011; gnomAD exomes 0.00014 and 0.00026; ExAC 0.00027; 1000 Genomes Project 0.00079; 1000 Genomes Project 30x 0.00083.
gnomAD v4.1: 171 of 1,210,077 alleles (0.014%); highest among the groups gnomAD compares: Admixed American, 0.07%; no homozygotes.

Submissions (3):

Labcorp Genetics (formerly Invitae), Labcorp
Classification: Benign for GATA binding protein 1 related thrombocytopenia with dyserythropoiesis; Diamond-Blackfan anemia. Last evaluated: 2026-01-22. Review status: criteria provided, single submitter. Criteria: Invitae Variant Classification Sherloc (09022015). Collection method: clinical testing. Allele origin: germline.

Blueprint Genetics
Classification: Likely benign. Last evaluated: 2024-05-02. Review status: criteria provided, single submitter. Criteria: ACMG Guidelines, 2015. Collection method: clinical testing. Allele origin: germline.

PreventionGenetics, part of Exact Sciences
Classification: Likely benign for GATA1-related condition. Last evaluated: 2020-11-03. Review status: no assertion criteria provided. Collection method: clinical testing. Allele origin: germline. Not counted in ClinVar's aggregate classification.
Comment: This variant is classified as likely benign based on ACMG/AMP sequence variant interpretation guidelines (Richards et al. 2015 PMID: 25741868, with internal and published modifications).